The following is an entry in ClinVar:

ClinVar aggregate classification (germline): Uncertain significance. Review status: criteria provided, multiple submitters, no conflicts (2 of 4 stars). 2 submissions from 2 submitters: Uncertain significance (2). Last evaluated 2026-06-09.

Conditions:
Hereditary cancer-predisposing syndrome. Also called: Neoplastic Syndromes, Hereditary; Tumor predisposition; Hereditary Cancer Syndrome; Hereditary neoplastic syndrome. Identifiers: Orphanet 140162, MedGen C0027672, MeSH D009386, MONDO:0015356.

gnomAD v4.1: 1 of 1,614,224 alleles (0.000062%); highest among the groups gnomAD compares: Non-Finnish European, 0.000085%; no homozygotes.

Submissions (2):

Ambry Genetics
Classification: Uncertain significance for Hereditary cancer-predisposing syndrome. Last evaluated: 2026-06-09. Review status: criteria provided, single submitter. Criteria: Ambry Variant Classification Scheme 2023. Collection method: clinical testing. Allele origin: germline.
Comment: The p.I338L variant (also known as c.1012A>T), located in coding exon 7 of the FH gene, results from an A to T substitution at nucleotide position 1012. The isoleucine at codon 338 is replaced by leucine, an amino acid with highly similar properties. This amino acid position is highly conserved in available vertebrate species. In addition, this alteration is predicted to be deleterious by in silico analysis. Based on the available evidence, the clinical significance of this variant remains unclear.

Labcorp Genetics (formerly Invitae), Labcorp
Classification: Uncertain significance. Last evaluated: 2025-04-10. Review status: criteria provided, single submitter. Criteria: Invitae Variant Classification Sherloc (09022015). Collection method: clinical testing. Allele origin: germline.
Comment: This sequence change replaces isoleucine, which is neutral and non-polar, with leucine, which is neutral and non-polar, at codon 338 of the FH protein (p.Ile338Leu). This variant is not present in population databases (gnomAD no frequency). This variant has not been reported in the literature in individuals affected with FH-related conditions. ClinVar contains an entry for this variant (Variation ID: 1733357). Invitae Evidence Modeling of protein sequence and biophysical properties (such as structural, functional, and spatial information, amino acid conservation, physicochemical variation, residue mobility, and thermodynamic stability) indicates that this missense variant is expected to disrupt FH protein function with a positive predictive value of 95%. In summary, the available evidence is currently insufficient to determine the role of this variant in disease. Therefore, it has been classified as a Variant of Uncertain Significance.

NM_000143.4(FH):c.1012A>T (p.Ile338Leu)

Gene: FH (fumarate hydratase; minus strand). Cytogenetic location: 1q43.
Variant type: single nucleotide variant.
Coding change: c.1012A>T on transcript NM_000143.4 (MANE Select); coding-DNA position 1012, A replaced by T.
Protein change: p.Ile338Leu; replaces isoleucine 338 with leucine.
Molecular consequence: missense variant.
Genome position (GRCh38, 1-based): chr1:241,504,138, T>A on the plus strand (A>T on the coding strand, the complement: FH is on the minus strand). VCF-style: chr1-241504138-T-A. GRCh37 (hg19) VCF-style: chr1-241667438-T-A.
Other names: short protein forms I338L.
Identifiers: ClinVar variation 1733357 (VCV001733357.4), dbSNP rs2527319455, ClinGen allele CA345438221.
Genomic context (GRCh38, chr1:241,504,138, plus strand): 5'-AGATCAATTCTCCCAGACCTGACCGAGGACCAGAACCCAAAAATCGAATATCATTTGCTA[T>A]CTTCATCAGACTGCAGGCAGTAGTGTTCATGGCTCCACTGAGCTCAACCAGAGCGTCATG-3'
Protein context (NP_000134.2, residues 328-348): MNTTACSLMK[Ile338Leu]ANDIRFLGSG